The following is an entry in ClinVar:

ClinVar aggregate classification (germline): Conflicting classifications of pathogenicity. Review status: criteria provided, conflicting classifications (1 of 4 stars). 5 submissions from 5 submitters: Pathogenic (2); Likely pathogenic (1); Uncertain significance (1). 1 of the submissions does not count toward it. Last evaluated 2025-02-02.

Conditions:
Fetal akinesia deformation sequence 3. Identifiers: MedGen C4760599, MONDO:0100103, OMIM 618389.
Congenital myasthenic syndrome 10. Also called: Myasthenia, limb-girdle, familial. Identifiers: Orphanet 590, MedGen C1850792, MONDO:0009690, OMIM 254300.
Congenital myasthenic syndrome (CMS). Also called: Congenital Myasthenic Syndromes. Identifiers: Orphanet 590, MedGen C0751882, MeSH D020294, MONDO:0018940.
Fetal akinesia deformation sequence 1 (FADS1). Also called: Pena-Shokeir syndrome type I; Fetal akinesia sequence. Identifiers: Orphanet 994, MedGen C1276035, MONDO:0100101, OMIM 208150, HP:0001989.

Submissions (5):

Labcorp Genetics (formerly Invitae), Labcorp
Classification: Pathogenic for Congenital myasthenic syndrome 10; Fetal akinesia deformation sequence 1. Last evaluated: 2025-02-02. Review status: criteria provided, single submitter. Criteria: Invitae Variant Classification Sherloc (09022015). Collection method: clinical testing. Allele origin: germline.
Comment: This sequence change creates a premature translational stop signal (p.Pro486Argfs*15) in the DOK7 gene. While this is not anticipated to result in nonsense mediated decay, it is expected to disrupt the last 19 amino acid(s) of the DOK7 protein. This variant is not present in population databases (gnomAD no frequency). This premature translational stop signal has been observed in individual(s) with autosomal recessive congenital myasthenic syndrome (PMID: 29118959). It has also been observed to segregate with disease in related individuals. ClinVar contains an entry for this variant (Variation ID: 689376). For these reasons, this variant has been classified as Pathogenic.

Fulgent Genetics
Classification: Likely pathogenic for Congenital myasthenic syndrome 10; Fetal akinesia deformation sequence 3. Last evaluated: 2024-05-02. Review status: criteria provided, single submitter. Criteria: ACMG Guidelines, 2015. Collection method: clinical testing. Allele origin: germline.

Baylor Genetics
Classification: Pathogenic for Fetal akinesia deformation sequence 3. Last evaluated: 2024-02-17. Review status: criteria provided, single submitter. Criteria: ACMG Guidelines, 2015. Collection method: clinical testing. Allele origin: unknown.

Kariminejad - Najmabadi Pathology & Genetics Center
Classification: Uncertain significance for Congenital myasthenic syndrome. Last evaluated: 2018-08-01. Review status: criteria provided, single submitter. Criteria: ACMG Guidelines, 2015. Collection method: clinical testing. Allele origin: germline. Affected: yes.

Neuromuscular Department, Shariati Hospital, Tehran University of Medical Sciences
Classification: Uncertain significance for Myasthenia, limb-girdle, familial. Review status: no assertion criteria provided. Collection method: clinical testing. Allele origin: unknown. Inheritance: Autosomal recessive inheritance. Affected: yes. Not counted in ClinVar's aggregate classification.

Literature cited by the submitters: PubMed 29118959 (cited by Labcorp Genetics (formerly Invitae), Labcorp).

NM_173660.5(DOK7):c.1457del (p.Pro486fs)

Gene: DOK7 (docking protein 7; plus strand). Cytogenetic location: 4p16.3.
Variant type: Deletion.
Coding change: c.1457del on transcript NM_173660.5 (MANE Select); coding-DNA position 1457, one base deleted (C; older notation c.1457delC).
Protein change: p.Pro486fs; shifts the reading frame from proline 486.
Molecular consequence: frameshift variant. On other transcripts: 3 prime UTR variant (1).
Genome position (GRCh38, 1-based): chr4:3,493,443, C deleted; the last of 5 consecutive C bases (chr4:3,493,439-3,493,443); deleting any one gives the same sequence. VCF-style (leftmost placement, unchanged base first): chr4-3493438-AC-A. GRCh37 (hg19) VCF-style: chr4-3495165-AC-A.
Other names: c.*678del (NM_001164673.2); c.527del, p.Pro176fs (NM_001256896.2); c.1457del, p.Pro486fs (NM_001301071.2); c.1025del, p.Pro342fs (NM_001363811.2); short protein forms P176fs, P342fs, P486fs.
Identifiers: ClinVar variation 689376 (VCV000689376.10), dbSNP rs1577184455, ClinGen allele CA915943006.
Genomic context (GRCh38, chr4:3,493,438, plus strand): 5'-CACACTGCCTGGCCCTGCCCCTGGCGAGCCCTGGGAAGCAGGCGGCCCCCACGCGGGGCC[AC>A]CCCCGGCTTTCTTTTCGGCATGTCCAGTCTGTGGAGGACTCAAGGTAAACCCCCCTCCTT-3'